The following is an entry in ClinVar:

NM_000632.4(ITGAM):c.656C>T (p.Thr219Met)

Gene: ITGAM (integrin subunit alpha M; plus strand). Cytogenetic location: 16p11.2.
Variant type: single nucleotide variant.
Coding change: c.656C>T on transcript NM_000632.4 (MANE Select); coding-DNA position 656, C replaced by T.
Protein change: p.Thr219Met; replaces threonine 219 with methionine.
Molecular consequence: missense variant.
Genome position (GRCh38, 1-based): chr16:31,271,944, C>T. VCF-style: chr16-31271944-C-T. GRCh37 (hg19) VCF-style: chr16-31283265-C-T.
Other names: c.656C>T, p.Thr219Met (NM_001145808.2); short protein forms T219M.
Identifiers: ClinVar variation 1393285 (VCV001393285.8), dbSNP rs762226869, ClinGen allele CA8025292.

ClinVar aggregate classification (germline): Uncertain significance (1 of 4 stars; one submission).

Allele frequency attached by ClinVar (database versions not stated): ExAC 0.00001; gnomAD 0.00001; gnomAD exomes 0.00001; TOPMed 0.00005.
gnomAD v4.1: 19 of 1,613,886 alleles (0.0012%); highest among the groups gnomAD compares: African/African-American, 0.0067%; no homozygotes.

Submission:

Labcorp Genetics (formerly Invitae), Labcorp
Classification: Uncertain significance. Last evaluated: 2025-08-18. Review status: criteria provided, single submitter. Criteria: Invitae Variant Classification Sherloc (09022015). Collection method: clinical testing. Allele origin: germline.
Comment: This sequence change replaces threonine, which is neutral and polar, with methionine, which is neutral and non-polar, at codon 219 of the ITGAM protein (p.Thr219Met). This variant is present in population databases (rs762226869, gnomAD 0.002%). This variant has not been reported in the literature in individuals affected with ITGAM-related conditions. ClinVar contains an entry for this variant (Variation ID: 1393285). An algorithm developed to predict the effect of missense changes on protein structure and function (PolyPhen-2) suggests that this variant is likely to be tolerated. In summary, the available evidence is currently insufficient to determine the role of this variant in disease. Therefore, it has been classified as a Variant of Uncertain Significance.